The following is an entry in ClinVar:

ClinVar aggregate classification (germline): Likely benign (0 of 4 stars; one submission).

Conditions:
YTHDC2-related disorder. Also called: YTHDC2-related condition.

Allele frequency attached by ClinVar (database versions not stated): gnomAD 0.00011; TOPMed 0.00018; ExAC 0.00031; 1000 Genomes Project 30x 0.00078; 1000 Genomes Project 0.00080.
gnomAD v4.1: 226 of 1,605,948 alleles (0.014%); highest among the groups gnomAD compares: East Asian, 0.49%; no homozygotes.

Submission:

PreventionGenetics, part of Exact Sciences
Classification: Likely benign for YTHDC2-related condition. Last evaluated: 2019-10-03. Review status: no assertion criteria provided. Collection method: clinical testing. Allele origin: germline.
Comment: This variant is classified as likely benign based on ACMG/AMP sequence variant interpretation guidelines (Richards et al. 2015 PMID: 25741868, with internal and published modifications).

NM_022828.5(YTHDC2):c.2428G>A (p.Val810Ile)

Gene: YTHDC2 (YTH N6-methyladenosine RNA binding protein C2; plus strand). Cytogenetic location: 5q22.2.
Variant type: single nucleotide variant.
Coding change: c.2428G>A on transcript NM_022828.5 (MANE Select); coding-DNA position 2428, G replaced by A.
Protein change: p.Val810Ile; replaces valine 810 with isoleucine.
Molecular consequence: missense variant.
Genome position (GRCh38, 1-based): chr5:113,563,478, G>A. VCF-style: chr5-113563478-G-A. GRCh37 (hg19) VCF-style: chr5-112899175-G-A.
Other names: c.1942G>A, p.Val648Ile (NM_001345975.2); c.1528G>A, p.Val510Ile (NM_001345976.2); short protein forms V510I, V648I, V810I.
Identifiers: ClinVar variation 3045233 (VCV003045233.2), dbSNP rs147258494, ClinGen allele CA3372158.